The following is an entry in ClinVar:

ClinVar aggregate classification (germline): Likely benign (1 of 4 stars; one submission).

Allele frequency attached by ClinVar (database versions not stated): 1000 Genomes Project 30x 0.00021; 1000 Genomes Project 0.00026.
gnomAD v4.1: 26 of 111,892 alleles (0.023%); highest among the groups gnomAD compares: Non-Finnish European, 0.041%; no homozygotes.

Submission:

CeGaT Center for Human Genetics Tuebingen
Classification: Likely benign. Last evaluated: 2022-12-01. Review status: criteria provided, single submitter. Criteria: CeGaT Center For Human Genetics Tuebingen Variant Classification Criteria Version 2. Collection method: clinical testing. Allele origin: germline. Affected: yes. Observed: 1 variant allele.
Comment: UBA1: BS2

NM_003334.4(UBA1):c.1-2333G>A

Gene: UBA1 (ubiquitin like modifier activating enzyme 1; plus strand). Cytogenetic location: Xp11.3.
Variant type: single nucleotide variant.
Coding change: c.1-2333G>A on transcript NM_003334.4 (MANE Select); 2333 bases into the intron before coding-DNA position 1, G replaced by A.
Molecular consequence: intron variant.
Genome position (GRCh38, 1-based): chrX:47,196,470, G>A. VCF-style: chrX-47196470-G-A. GRCh37 (hg19) VCF-style: chrX-47055869-G-A.
Other names: c.1-2333G>A (NM_153280.3).
Identifiers: ClinVar variation 2660404 (VCV002660404.24), dbSNP rs140311832, ClinGen allele CA329031390.